The following continues an entry in ClinVar:

NM_007294.4(BRCA1):c.594-2A>C

Gene: BRCA1. ClinVar aggregate classification (germline): Benign. Benign (1).

Submission 20 of 20:

Department of Pathology and Laboratory Medicine, Sinai Health System
Classification: Uncertain significance for Malignant tumor of breast. Review status: no assertion criteria provided. Collection method: clinical testing. Allele origin: unknown. Affected: yes. Study: The Canadian Open Genetics Repository (COGR). Not counted in ClinVar's aggregate classification.
Comment: The BRCA1 c.594-2A>C variant was identified in the literature in functional, in silico analysis, segregation studies and reviews (Steffensen 2014, Tesoriero 2005, Hoya 2016, Rosenthal 2015). The variant was also identified in dbSNP (ID: rs80358033) as â€šÃ„ÃºWith Pathogenic, untested alleleâ€šÃ„Ã¹; NHLBI GO Exome Sequencing Project in 1 of 8600 European American alleles; Exome Aggregation Consortium database (August 8, 2016) in 2 of 109096 chromosomes (freq. 0.00001833) in the following populations: European (Non-Finnish) in 2 of 59486 chromosomes (freq. 0.00003362), but was not seen in African, East Asian, European (Finnish), Latino, South Asian and Other populations. ClinVar and Clinvitae databases (uncertain significance by Invitae, Ambry Genetics, GeneDx, Genetics Diagnostic Laboratory-CHEO; as likely benign by CSER CC NCGI University of Washington; as pathogenic by University of Washington, Dept of Medicine, Pathway Genetics, BIC and Sharing Clinical Report Projects of Myriad did not provide a classification );Fanconi Anemia Mutation Database-LOVD (3X neutral, and LOVD-3.0 9X); ARUP Laboratories BRCA Mutations Database (5- definitely pathogenic.); GeneInsight COGR database (pathogenic by MESHWCRI and NYG, as unknown significance by CHEO and CVHTHP); the BIC database (15X with clinical importance). The c.594-2A>C variant is predicted to cause abnormal splicing because the nucleotide substitution occurs in the invariant region of the splice consensus sequence. In addition, 5 of 5 in silico or computational prediction software programs (SpliceSiteFinder, MaxEntScan, NNSPLICE, GeneSplicer, HumanSpliceFinder) predict a greater than 10% difference in splicing. A study by Hoya (Hoya 2016) used large-scale genetic and clinical resources from the ENIGMA, CIMBA and BCAC consortia to assess pathogenicity of c.594-2A >C. A recent analysis using family history weighting and co-observation classification modeling indicated that BRCA1 c.594- 2A > C (IVS9-2A > C), previously described to cause exon 10 skipping (a truncating alteration), displays characteristics inconsistent with those of a high risk pathogenic BRCA1 variant. Data indicate that c.594-2A > C is always in cis with c.641A > G. The spliceogenic effect of c.[594-2A > C;641A > G] was characterized using RNA analysis of human samples and splicing minigenes. As expected, c.[594-2A > C; 641A > G] caused exon 10 skipping, albeit not due to c.594-2A > C impairing the acceptor site but rather by c.641A > G modifying exon 10 splicing regulatory element(s). Multiple blood-based RNA assays indicated that the variant allele did not produce detectable levels of full-length transcripts, with a per allele BRCA1 expression profile composed of 70â€šÃ„Ã¬80% truncating transcripts, and 20â€šÃ„Ã¬30% of in-frame D 9,10 transcripts predicted to encode a BRCA1 protein with tumor suppression function. The study confirms that BRCA1 c.[594-2A > C;641A > G] should not be considered a high-risk pathogenic variant. Importantly, results from our detailed mRNA analysis suggest that BRCA-associated cancer risk is likely not markedly increased for individuals who carry a truncating variant in BRCA1 exons 9 or 10, or any other BRCA1 allele that permits 20â€šÃ„Ã¬30% of tumor suppressor function. More generally, the findings highlight the importance of assessing naturally occurring alternative splicing for clinical evaluation of variants in disease-causing genes. A review of the variant by Rosenthal (Rosenthal 2015) detailed the following: The expected classification of BRCA1 c.594-2A >C as pathogenic is based on the predicted impact on mRNA splicing at the intron 9/exon 10 boundary. Splicing analysis algorithms predict that this change disrupts normal mRNA splicing because the consensus splice acceptor sequence at this position is highly conserved. Biochemical studies confirm skipping of exon 10 in transcripts from the BRCA1 c.594-2A >C allele, resulting in the loss of 77 nucleotides and premature truncation of the BRCA1 protein (Steffensen 2014 24667779). They re-evaluated BRCA1 c.594-2A >C following published studies of a BRCA1 variant located at a different splice junction, c.591C > T (p.C197C). This variant is predicted to disrupt splicing at the exon 9/intron 9 boundary, but it has long been classified as clinically insignificant based on multiple lines of evidence, including a high frequency in control populations. Given this benign designation, it is somewhat surprising that this variant results in a significant reduction in the production of full length BRCA1 transcripts and the production of abnormal transcripts missing exon 9. However, this is accompanied by an increase in the proportion of an alternatively spliced transcript lacking both exons 9 and 10. In fact, this Å’Ã® (9, 10) isoform is normally present at relatively high levels in breast tissue containing only wild-type BRCA1 and may retain at least some BRCA1 function as the deletion of both exons 9 and 10 results in an in-frame deletion of 41 amino acids in a portion of the protein unrelated to homologous repair. These findings raise the possibility that this alternative transcript can â€šÃ„Ã²rescueâ€šÃ„Ã´ variants that disrupt splicing for exons 9 and 10, or possibly even sequence changes within those exons. They subsequently performed a systematic review of available data for c.594-2A >C in their clinical database. As of September 23, 2013, they had detected this variant in 110 apparently unrelated individuals as an outcome of comprehensive sequencing and large arrangement analysis. It has been observed in multiple patients from six families who also have deleterious variants in BRCA2, placing this variant in the benign category using the MCO model. BRCA1 c.594-2A >C also falls within the benign range using the HWA. The family testing outcomes do not demonstrate consistent segregation of the variant with breast or ovarian cancer, although they cannot exclude some contribution of the variant to the familial aggregation of cancer. In the past, it has been believed that embryonic lethality was inevitably associated with homozygosity or compound heterozygosity for pathogenic BRCA1 variants, but recent reports of two patients with two deleterious BRCA1 variants in trans has demonstrated that in rare cases this can lead to a clinical condition similar to FA. They have observed a patient with variant c.594-2A>C in trans with the BRCA1 founder variant exon13ins6kb. This patient does not have reported symptoms consistent with FA, which further contradicts a pathogenic interpretation for this variant. Myriad currently reports BRCA1 c.594-2A >C as a â€šÃ„Ã²special interpretationâ€šÃ„Ã´ variant based on the as yet unresolved conflict between the predicted impact on protein sequence and function and the available data. In summary, based on the above information, the clinical significance of this variant cannot be determined with certainty at this time. This variant is classified as a variant of uncertain significance.

Literature cited by the submitters: PubMed 27008870 (cited by 5 submitters); PubMed 20104584 (cited by 3 submitters); PubMed 22711857 (cited by Women's Health and Genetics/Laboratory Corporation of America, LabCorp and Ambry Genetics); PubMed 21702907 (cited by Women's Health and Genetics/Laboratory Corporation of America, LabCorp); PubMed 10408690 (cited by Women's Health and Genetics/Laboratory Corporation of America, LabCorp); PubMed 22811390 (cited by Women's Health and Genetics/Laboratory Corporation of America, LabCorp and Ambry Genetics); PubMed 16912212 (cited by Women's Health and Genetics/Laboratory Corporation of America, LabCorp); PubMed 19892845 (cited by 3 submitters); PubMed 23239986 (cited by Women's Health and Genetics/Laboratory Corporation of America, LabCorp and Pathway Genomics); PubMed 24667779 (cited by Women's Health and Genetics/Laboratory Corporation of America, LabCorp and Quest Diagnostics Nichols Institute San Juan Capistrano); PubMed 16211554 (cited by 5 submitters); PubMed 25366421 (cited by Women's Health and Genetics/Laboratory Corporation of America, LabCorp); PubMed 25639900 (cited by 4 submitters); PubMed 26884819 (cited by 3 submitters); PubMed 29254167 (cited by 3 submitters); PubMed 24569164 (cited by 4 submitters); PubMed 26913838 (cited by Labcorp Genetics (formerly Invitae), Labcorp); PubMed 24212087 (cited by 4 submitters); PubMed 12601471 (cited by Ambry Genetics); PubMed 27083775 (cited by Ambry Genetics and Quest Diagnostics Nichols Institute San Juan Capistrano); PubMed 29774201 (cited by Quest Diagnostics Nichols Institute San Juan Capistrano); PubMed 29875428 (cited by Quest Diagnostics Nichols Institute San Juan Capistrano); PubMed 31843900 (cited by Quest Diagnostics Nichols Institute San Juan Capistrano and King Laboratory, University of Washington); PubMed 31642931 (cited by Quest Diagnostics Nichols Institute San Juan Capistrano); PubMed 36451132 (cited by Quest Diagnostics Nichols Institute San Juan Capistrano); PubMed 28767289 (cited by Quest Diagnostics Nichols Institute San Juan Capistrano and Sema4); PubMed 28782058 (cited by Quest Diagnostics Nichols Institute San Juan Capistrano); PubMed 28051074 (cited by Quest Diagnostics Nichols Institute San Juan Capistrano); PubMed 26786923 (cited by Quest Diagnostics Nichols Institute San Juan Capistrano); PubMed 26681682 (cited by Quest Diagnostics Nichols Institute San Juan Capistrano and Sema4); PubMed 16683254 (cited by Sema4).